The following is an entry in ClinVar:

ClinVar aggregate classification (germline): Uncertain significance (1 of 4 stars; one submission).

Conditions:
Multiple endocrine neoplasia, type 2 (MEN2). Identifiers: Orphanet 653, MedGen C4048306, MONDO:0019003. Disease mechanism: gain of function.

Submission:

Labcorp Genetics (formerly Invitae), Labcorp
Classification: Uncertain significance for Multiple endocrine neoplasia, type 2. Last evaluated: 2024-01-04. Review status: criteria provided, single submitter. Criteria: Invitae Variant Classification Sherloc (09022015). Collection method: clinical testing. Allele origin: germline.
Comment: This variant, c.1240_1251del, results in the deletion of 4 amino acid(s) of the RET protein (p.Arg415_Arg418del), but otherwise preserves the integrity of the reading frame. This variant is not present in population databases (gnomAD no frequency). This variant has not been reported in the literature in individuals affected with RET-related conditions. Experimental studies and prediction algorithms are not available or were not evaluated, and the functional significance of this variant is currently unknown. In summary, the available evidence is currently insufficient to determine the role of this variant in disease. Therefore, it has been classified as a Variant of Uncertain Significance.

NM_020975.6(RET):c.1240_1251del (p.Arg415_Arg418del)

Gene: RET (ret proto-oncogene; plus strand). Cytogenetic location: 10q11.21.
Variant type: Deletion.
Coding change: c.1240_1251del on transcript NM_020975.6 (MANE Select); coding-DNA positions 1240 to 1251, 12 bases deleted (AGGAGGGCTCGC).
Protein change: p.Arg415_Arg418del.
Molecular consequence: inframe deletion. On other transcripts: inframe indel (2), intron variant (18).
Genome position (GRCh38, 1-based): chr10:43,109,207-43,109,218, AGGAGGGCTCGC deleted; deleting any 12 consecutive bases within chr10:43,109,205-43,109,218 gives the same sequence; the c. name uses the placement nearest the transcript's 3' end. VCF-style (leftmost placement, unchanged base first): chr10-43109204-AGCAGGAGGGCTC-A. GRCh37 (hg19) VCF-style: chr10-43604652-AGCAGGAGGGCTC-A.
Other names: c.1240_1251delAGGAGGGCTCGC, p.Arg415_Arg418del (NM_000323.2, NM_020629.2); c.478_489del, p.Arg161_Arg164del (NM_001355216.2); c.1240_1251del, p.Arg415_Arg418del (NM_001406743.1, NM_001406744.1, NM_001406759.1 and 4 more transcripts); c.1111_1122del, p.Arg372_Arg375del (NM_001406761.1, NM_001406762.1, NM_001406764.1 and 1 more transcripts); c.952_963del, p.Arg319_Arg322del (NM_001406766.1, NM_001406767.1, NM_001406770.1); c.802_813del, p.Arg269_Arg272del (NM_001406771.1, NM_001406773.1); c.514_525del, p.Arg173_Arg176del (NM_001406775.1, NM_001406776.1, NM_001406777.1 and 1 more transcripts); c.250_261del, p.Arg85_Arg88del (NM_001406784.1); and 6 more.
Identifiers: ClinVar variation 2707340 (VCV002707340.3), dbSNP rs2538426277, ClinGen allele CA2697558309.